The following is an entry in ClinVar:

ClinVar aggregate classification (germline): Uncertain significance. Review status: criteria provided, multiple submitters, no conflicts (2 of 4 stars). 2 submissions from 2 submitters: Uncertain significance (2). Last evaluated 2025-04-25.

Conditions:
Immunodeficiency 132A. Also called: Herpes simplex encephalitis, susceptibility to, 3. Identifiers: Orphanet 1930, MedGen C3553868, MONDO:0013920, OMIM 614849.

Allele frequency attached by ClinVar (database versions not stated): gnomAD exomes 0.00001; TOPMed 0.00002; gnomAD 0.00001.
gnomAD v4.1: 20 of 1,614,078 alleles (0.0012%); highest among the groups gnomAD compares: East Asian, 0.0045%; no homozygotes.

Submissions (2):

Ambry Genetics
Classification: Uncertain significance. Last evaluated: 2025-04-25. Review status: criteria provided, single submitter. Criteria: Ambry Variant Classification Scheme 2023. Collection method: clinical testing. Allele origin: germline.

Labcorp Genetics (formerly Invitae), Labcorp
Classification: Uncertain significance for Immunodeficiency 132A. Last evaluated: 2024-04-11. Review status: criteria provided, single submitter. Criteria: Invitae Variant Classification Sherloc (09022015). Collection method: clinical testing. Allele origin: germline.
Comment: This sequence change replaces arginine, which is basic and polar, with cysteine, which is neutral and slightly polar, at codon 25 of the TRAF3 protein (p.Arg25Cys). This variant is present in population databases (no rsID available, gnomAD 0.005%). This variant has not been reported in the literature in individuals affected with TRAF3-related conditions. ClinVar contains an entry for this variant (Variation ID: 1045822). An algorithm developed to predict the effect of missense changes on protein structure and function (PolyPhen-2) suggests that this variant is likely to be tolerated. In summary, the available evidence is currently insufficient to determine the role of this variant in disease. Therefore, it has been classified as a Variant of Uncertain Significance.

NM_145725.3(TRAF3):c.73C>T (p.Arg25Cys)

Gene: TRAF3 (TNF receptor associated factor 3; plus strand). Cytogenetic location: 14q32.32.
Variant type: single nucleotide variant.
Coding change: c.73C>T on transcript NM_145725.3 (MANE Select); coding-DNA position 73, C replaced by T.
Protein change: p.Arg25Cys; replaces arginine 25 with cysteine.
Molecular consequence: missense variant.
Genome position (GRCh38, 1-based): chr14:102,870,274, C>T. VCF-style: chr14-102870274-C-T. GRCh37 (hg19) VCF-style: chr14-103336611-C-T.
Other names: c.73C>T (NM_003300.3); c.73C>T, p.Arg25Cys (NM_001199427.2, NM_001385142.1, NM_001385143.1 and 2 more transcripts); short protein forms R25C.
Identifiers: ClinVar variation 1045822 (VCV001045822.10), dbSNP rs1293923229, ClinGen allele CA391069641.